The following is an entry in ClinVar:

NM_199420.4(POLQ):c.1012C>T (p.His338Tyr)

Gene: POLQ (DNA polymerase theta; minus strand). Cytogenetic location: 3q13.33.
Variant type: single nucleotide variant.
Coding change: c.1012C>T on transcript NM_199420.4 (MANE Select); coding-DNA position 1012, C replaced by T.
Protein change: p.His338Tyr; replaces histidine 338 with tyrosine.
Molecular consequence: missense variant.
Genome position (GRCh38, 1-based): chr3:121,529,741, G>A on the plus strand (C>T on the coding strand, the complement: POLQ is on the minus strand). VCF-style: chr3-121529741-G-A. GRCh37 (hg19) VCF-style: chr3-121248588-G-A.
Other names: short protein forms H338Y.
Identifiers: ClinVar variation 1733641 (VCV001733641.2), dbSNP rs2546817047, ClinGen allele CA354124714.
Genomic context (GRCh38, chr3:121,529,741, plus strand): 5'-CAATGATATCTGCCAGCTTCTCACACCATTTCTTTGATGGACAAAAAAGTAATACTGAAT[G>A]GTTATCACAAATCGTCTCATAACATAAACTAACAACATGGTCCTCATCTCCCTAAAACAG-3'
Protein context (NP_955452.3, residues 328-348): SLCYETICDN[His338Tyr]SVLLFCPSKK

ClinVar aggregate classification (germline): Uncertain significance (1 of 4 stars; one submission).

Allele frequency attached by ClinVar (database versions not stated): gnomAD exomes below 0.00001.
gnomAD v4.1: 1 of 1,611,482 alleles (0.000062%); highest among the groups gnomAD compares: Non-Finnish European, 0.000085%; no homozygotes.

Submission:

Ambry Genetics
Classification: Uncertain significance. Last evaluated: 2022-07-27. Review status: criteria provided, single submitter. Criteria: Ambry Variant Classification Scheme 2023. Collection method: clinical testing. Allele origin: germline.
Comment: The p.H338Y variant (also known as c.1012C>T), located in coding exon 7 of the POLQ gene, results from a C to T substitution at nucleotide position 1012. The histidine at codon 338 is replaced by tyrosine, an amino acid with similar properties. This amino acid position is conserved. In addition, this alteration is predicted to be tolerated by in silico analysis. Since supporting evidence is limited at this time, the clinical significance of this alteration remains unclear.